The following is an entry in ClinVar:

ClinVar aggregate classification (germline): Likely benign. Review status: criteria provided, single submitter (1 of 4 stars). 2 submissions from 2 submitters: Likely benign (1). 1 of the submissions does not count toward it. Last evaluated 2025-06-22.

Conditions:
Inborn genetic diseases. Identifiers: MedGen C0950123, MeSH D030342.
PKD1-related disorder. Also called: PKD1-related condition.

Allele frequency attached by ClinVar (database versions not stated): gnomAD exomes 0.00001; gnomAD 0.00003; TOPMed 0.00003.
gnomAD v4.1: 14 of 1,582,642 alleles (0.00088%); highest among the groups gnomAD compares: African/African-American, 0.008%; no homozygotes.

Submissions (2):

Ambry Genetics
Classification: Likely benign for Inborn genetic diseases. Last evaluated: 2025-06-22. Review status: criteria provided, single submitter. Criteria: Ambry Variant Classification Scheme 2023. Collection method: clinical testing. Allele origin: germline.

PreventionGenetics, part of Exact Sciences
Classification: Uncertain significance for PKD1-related condition. Last evaluated: 2023-11-17. Review status: no assertion criteria provided. Collection method: clinical testing. Allele origin: germline. Not counted in ClinVar's aggregate classification.
Comment: The PKD1 c.401C>T variant is predicted to result in the amino acid substitution p.Ala134Val. To our knowledge, this variant has not been reported in the literature. This variant is reported in 0.011% of alleles in individuals of African descent (gnomAD v2). At this time, the clinical significance of this variant is uncertain due to the absence of conclusive functional and genetic evidence.

NM_001009944.3(PKD1):c.401C>T (p.Ala134Val)

Gene: PKD1 (polycystin 1, transient receptor potential channel interacting; minus strand). Cytogenetic location: 16p13.3.
Variant type: single nucleotide variant.
Coding change: c.401C>T on transcript NM_001009944.3 (MANE Select); coding-DNA position 401, C replaced by T.
Protein change: p.Ala134Val; replaces alanine 134 with valine.
Molecular consequence: missense variant.
Genome position (GRCh38, 1-based): chr16:2,118,804, G>A on the plus strand (C>T on the coding strand, the complement: PKD1 is on the minus strand). VCF-style: chr16-2118804-G-A. GRCh37 (hg19) VCF-style: chr16-2168805-G-A.
Other names: c.401C>T (NM_000296.3); c.401C>T, p.Ala134Val (NM_000296.4); short protein forms A134V.
Identifiers: ClinVar variation 3058572 (VCV003058572.3), dbSNP rs1296786347, ClinGen allele CA394395615.
Genomic context (GRCh38, chr16:2,118,804, plus strand): 5'-GTGGCTGCCTCGGGCTGCACCACCCGCACCTGCTGCTCCTCCGCCCATCGCGGCAGCCAC[G>A]CCAGGCCACAGTCACACTCAAACGGGTTCCCACTCAGGTTTCTGCAGGGCAGGGGCAGGT-3'
Protein context (NP_001009944.3, residues 124-144): GNPFECDCGL[Ala134Val]WLPRWAEEQQ